The following is an entry in ClinVar:

NM_152468.5(TMC8):c.1842C>T (p.Cys614=)

Gene: TMC8 (transmembrane channel like 8; plus strand). Cytogenetic location: 17q25.3.
Variant type: single nucleotide variant.
Coding change: c.1842C>T on transcript NM_152468.5 (MANE Select); coding-DNA position 1842, C replaced by T.
Protein change: p.Cys614=; no amino-acid change (cysteine 614 retained).
Molecular consequence: synonymous variant.
Genome position (GRCh38, 1-based): chr17:78,139,180, C>T. VCF-style: chr17-78139180-C-T. GRCh37 (hg19) VCF-style: chr17-76135261-C-T.
Identifiers: ClinVar variation 1944324 (VCV001944324.3), dbSNP rs1473971152, ClinGen allele CA502122598.

ClinVar aggregate classification (germline): Uncertain significance (1 of 4 stars; one submission).

Conditions:
Epidermodysplasia verruciformis. Identifiers: Orphanet 302, MedGen C0014522, MONDO:0009176.

Allele frequency attached by ClinVar (database versions not stated): gnomAD exomes 0.00001.
gnomAD v4.1: 7 of 1,613,656 alleles (0.00043%); highest among the groups gnomAD compares: Admixed American, 0.0033%; no homozygotes.

Submission:

Labcorp Genetics (formerly Invitae), Labcorp
Classification: Uncertain significance for Epidermodysplasia verruciformis. Last evaluated: 2022-05-21. Review status: criteria provided, single submitter. Criteria: Invitae Variant Classification Sherloc (09022015). Collection method: clinical testing. Allele origin: germline.
Comment: This sequence change affects codon 614 of the TMC8 mRNA. It is a 'silent' change, meaning that it does not change the encoded amino acid sequence of the TMC8 protein. In summary, the available evidence is currently insufficient to determine the role of this variant in disease. Therefore, it has been classified as a Variant of Uncertain Significance. Algorithms developed to predict the effect of sequence changes on RNA splicing suggest that this variant may create or strengthen a splice site. This variant has not been reported in the literature in individuals affected with TMC8-related conditions. This variant is present in population databases (no rsID available, gnomAD 0.006%).